The following is an entry in ClinVar:

NM_001866.3(COX7B):c.7C>G (p.Pro3Ala)

Genes: COX7B (cytochrome c oxidase subunit 7B; plus strand), LOC130068461 (ATAC-STARR-seq lymphoblastoid active region 29782; plus strand). Cytogenetic location: Xq21.1.
Variant type: single nucleotide variant.
Coding change: c.7C>G on transcript NM_001866.3 (MANE Select); coding-DNA position 7, C replaced by G.
Protein change: p.Pro3Ala; replaces proline 3 with alanine.
Molecular consequence: missense variant.
Genome position (GRCh38, 1-based): chrX:77,899,560, C>G. VCF-style: chrX-77899560-C-G. GRCh37 (hg19) VCF-style: chrX-77155057-C-G.
Other names: c.7C>G, p.Pro3Ala (LRG_1250t1); short protein forms P3A.
Identifiers: ClinVar variation 423717 (VCV000423717.2), dbSNP rs370681452, ClinGen allele CA10458651.
Genomic context (GRCh38, chrX:77,899,560, plus strand): 5'-GAATTGGCACCAAAGCAGCAGCTGTATTGCCGCAGTTCTAGCTTCACCTTCACGATGTTT[C>G]CCTTGGTCAAAAGCGCACTAAATCGTCTCCAAGGTGAGCAAAAATTATGACAAATCATTT-3'
Protein context (NP_001857.1, residues 1-13): MF[Pro3Ala]LVKSALNRLQ

ClinVar aggregate classification (germline): Uncertain significance (1 of 4 stars; one submission).

Allele frequency attached by ClinVar (database versions not stated): ExAC 0.00001; gnomAD exomes 0.00001 and 0.00003; ESP Exome Variant Server 0.00009; gnomAD 0.00009 and 0.00010; TOPMed 0.00011.
gnomAD v4.1: 26 of 1,209,216 alleles (0.0022%); highest among the groups gnomAD compares: African/African-American, 0.042%; no homozygotes.

Submission:

GeneDx
Classification: Uncertain significance. Last evaluated: 2017-03-03. Review status: criteria provided, single submitter. Criteria: GeneDx Variant Classification (06012015). Collection method: clinical testing. Allele origin: germline. Affected: yes.
Comment: The P3A variant has not been published as a pathogenic variant, nor has it been reported as a benign variant to our knowledge. The P3A variant is observed in 1/8,210 alleles from individuals of African background, in the ExAC dataset (Lek et al., 2016). The P3A variant is a semi-conservative amino acid substitution, which may impact secondary protein structure as these residues differ in some properties. This substitution occurs at a position that is not conserved. In silico analysis is inconsistent in its predictions as to whether or not the variant is damaging to the protein structure/function. In summary, based on the currently available information, it is unclear whether this variant is a pathogenic variant or a rare benign variant.